The following is an entry in ClinVar:

ClinVar aggregate classification (germline): Pathogenic (1 of 4 stars; one submission).

Conditions:
Treacher Collins syndrome 1 (TCS1). Also called: TCOF1-Related Treacher Collins Syndrome. Identifiers: Orphanet 861, MedGen CN315775, MONDO:0007944, OMIM 154500.

Submission:

Labcorp Genetics (formerly Invitae), Labcorp
Classification: Pathogenic for Treacher Collins syndrome 1. Last evaluated: 2025-04-04. Review status: criteria provided, single submitter. Criteria: Invitae Variant Classification Sherloc (09022015). Collection method: clinical testing. Allele origin: germline.
Comment: This sequence change affects a donor splice site in intron 3 of the TCOF1 gene. It is expected to disrupt RNA splicing. Variants that disrupt the donor or acceptor splice site typically lead to a loss of protein function (PMID: 16199547), and loss-of-function variants in TCOF1 are known to be pathogenic (PMID: 8894686, 22317976). This variant is not present in population databases (gnomAD no frequency). Disruption of this splice site has been observed in individual(s) with Treacher-Collins syndrome (internal data). Algorithms developed to predict the effect of sequence changes on RNA splicing suggest that this variant may disrupt the consensus splice site. For these reasons, this variant has been classified as Pathogenic.

Literature cited by the submitters: PubMed 16199547; PubMed 8894686; PubMed 22317976.

NM_001371623.1(TCOF1):c.304+1G>A

Gene: TCOF1 (treacle ribosome biogenesis factor 1; plus strand). Cytogenetic location: 5q32.
Variant type: single nucleotide variant.
Coding change: c.304+1G>A on transcript NM_001371623.1 (MANE Select); the canonical splice donor site of the intron after coding-DNA position 304, G replaced by A.
Molecular consequence: splice donor variant.
Genome position (GRCh38, 1-based): chr5:150,364,253, G>A. VCF-style: chr5-150364253-G-A. GRCh37 (hg19) VCF-style: chr5-149743816-G-A.
Other names: c.304+1G>A (NM_001135243.2, NM_001135244.2, NM_001195141.2 and 4 more transcripts).
Identifiers: ClinVar variation 4716731 (VCV004716731.1).
Genomic context (GRCh38, chr5:150,364,253, plus strand): 5'-TCAGCACCTCGGAGAGCTCGGAAGAGGAGGAAGAAGCAGAAGCCGAAACCGCCAAAGCCA[G>A]TAAGAGCCTTGCAGCTTTGGGAACAGGCTATGGAATATTGATTGTTCTAGGGTAGAGTCT-3'